The following is an entry in ClinVar:

ClinVar aggregate classification (germline): Likely pathogenic (1 of 4 stars; one submission).

Submission:

GeneDx
Classification: Likely pathogenic. Last evaluated: 2024-07-03. Review status: criteria provided, single submitter. Criteria: GeneDx Variant Classification Process June 2021. Collection method: clinical testing. Allele origin: germline. Affected: yes.
Comment: Not observed at significant frequency in large population cohorts (gnomAD); In silico analysis supports that this missense variant has a deleterious effect on protein structure/function; Has not been previously published as pathogenic or benign to our knowledge; This variant is associated with the following publications: (PMID: 22982744)

NM_001365902.3(NFIX):c.445C>T (p.Arg149Trp)

Gene: NFIX (nuclear factor I X; plus strand). Cytogenetic location: 19p13.13.
Variant type: single nucleotide variant.
Coding change: c.445C>T on transcript NM_001365902.3 (MANE Select); coding-DNA position 445, C replaced by T.
Protein change: p.Arg149Trp; replaces arginine 149 with tryptophan.
Molecular consequence: missense variant.
Genome position (GRCh38, 1-based): chr19:13,025,438, C>T. VCF-style: chr19-13025438-C-T. GRCh37 (hg19) VCF-style: chr19-13136252-C-T.
Other names: c.469C>T, p.Arg157Trp (NM_001271043.2); c.421C>T, p.Arg141Trp (NM_001271044.3, NM_001378404.1); c.445C>T, p.Arg149Trp (NM_001365982.2, NM_002501.4); c.304C>T, p.Arg102Trp (NM_001365983.2); c.442C>T, p.Arg148Trp (NM_001365984.2, NM_001365985.2); c.493C>T, p.Arg165Trp (NM_001378405.1); short protein forms R141W, R148W, R149W, R102W, R157W, R165W.
Identifiers: ClinVar variation 3393578 (VCV003393578.1).